The following is an entry in ClinVar:

ClinVar aggregate classification (germline): Uncertain significance. Review status: criteria provided, multiple submitters, no conflicts (2 of 4 stars). 3 submissions from 3 submitters: Uncertain significance (2). 1 of the submissions does not count toward it. Last evaluated 2025-04-28.

Conditions:
Inborn genetic diseases. Identifiers: MedGen C0950123, MeSH D030342.
PCNT-related disorder. Also called: PCNT-related condition.

Allele frequency attached by ClinVar (database versions not stated): gnomAD exomes 0.00002 and 0.00003; ExAC 0.00003; gnomAD 0.00003 and 0.00004; TOPMed 0.00004.
gnomAD v4.1: 29 of 1,613,768 alleles (0.0018%); highest among the groups gnomAD compares: Admixed American, 0.0033%; no homozygotes.

Submissions (3):

Labcorp Genetics (formerly Invitae), Labcorp
Classification: Uncertain significance. Last evaluated: 2025-04-28. Review status: criteria provided, single submitter. Criteria: Invitae Variant Classification Sherloc (09022015). Collection method: clinical testing. Allele origin: germline.
Comment: This sequence change replaces proline, which is neutral and non-polar, with leucine, which is neutral and non-polar, at codon 1204 of the PCNT protein (p.Pro1204Leu). This variant is present in population databases (rs749542536, gnomAD 0.008%). This variant has not been reported in the literature in individuals affected with PCNT-related conditions. ClinVar contains an entry for this variant (Variation ID: 1405063). An algorithm developed to predict the effect of missense changes on protein structure and function outputs the following: PolyPhen-2: "Probably Damaging". The leucine amino acid residue is found in multiple mammalian species, which suggests that this missense change does not adversely affect protein function. In summary, the available evidence is currently insufficient to determine the role of this variant in disease. Therefore, it has been classified as a Variant of Uncertain Significance.

Ambry Genetics
Classification: Uncertain significance for Inborn genetic diseases. Last evaluated: 2022-08-31. Review status: criteria provided, single submitter. Criteria: Ambry Variant Classification Scheme 2023. Collection method: clinical testing. Allele origin: germline.

PreventionGenetics, part of Exact Sciences
Classification: Uncertain significance for PCNT-related condition. Last evaluated: 2024-03-28. Review status: no assertion criteria provided. Collection method: clinical testing. Allele origin: germline. Not counted in ClinVar's aggregate classification.
Comment: The PCNT c.3611C>T variant is predicted to result in the amino acid substitution p.Pro1204Leu. To our knowledge, this variant has not been reported in the literature. This variant is reported in 0.0080% of alleles in individuals of African descent in gnomAD. At this time, the clinical significance of this variant is uncertain due to the absence of conclusive functional and genetic evidence.

NM_006031.6(PCNT):c.3611C>T (p.Pro1204Leu)

Gene: PCNT (pericentrin; plus strand). Cytogenetic location: 21q22.3.
Variant type: single nucleotide variant.
Coding change: c.3611C>T on transcript NM_006031.6 (MANE Select); coding-DNA position 3611, C replaced by T.
Protein change: p.Pro1204Leu; replaces proline 1204 with leucine.
Molecular consequence: missense variant.
Genome position (GRCh38, 1-based): chr21:46,389,202, C>T. VCF-style: chr21-46389202-C-T. GRCh37 (hg19) VCF-style: chr21-47809117-C-T.
Other names: c.3611C>T (NM_006031.5); c.3257C>T, p.Pro1086Leu (NM_001315529.2); short protein forms P1086L, P1204L.
Identifiers: ClinVar variation 1405063 (VCV001405063.8), dbSNP rs749542536, ClinGen allele CA10079398.